The following is an entry in ClinVar:

ClinVar aggregate classification (germline): Uncertain significance (1 of 4 stars; one submission).

gnomAD v4.1: 1 of 1,208,522 alleles (0.000083%); highest among the groups gnomAD compares: Non-Finnish European, 0.00011%; no homozygotes.

Submission:

Labcorp Genetics (formerly Invitae), Labcorp
Classification: Uncertain significance. Last evaluated: 2025-10-29. Review status: criteria provided, single submitter. Criteria: Invitae Variant Classification Sherloc (09022015). Collection method: clinical testing. Allele origin: germline.
Comment: This sequence change falls in intron 17 of the SH3KBP1 gene. It does not directly change the encoded amino acid sequence of the SH3KBP1 protein. It affects a nucleotide within the consensus splice site. This variant is not present in population databases (gnomAD no frequency). This variant has not been reported in the literature in individuals affected with SH3KBP1-related conditions. Variants that disrupt the consensus splice site are a relatively common cause of aberrant splicing (PMID: 17576681, 9536098). Algorithms developed to predict the effect of sequence changes on RNA splicing suggest that this variant is not likely to affect RNA splicing. In summary, the available evidence is currently insufficient to determine the role of this variant in disease. Therefore, it has been classified as a Variant of Uncertain Significance.

Literature cited by the submitters: PubMed 17576681; PubMed 9536098.

NM_031892.3(SH3KBP1):c.1956+4C>T

Gene: SH3KBP1 (SH3 domain containing kinase binding protein 1; minus strand). Cytogenetic location: Xp22.12.
Variant type: single nucleotide variant.
Coding change: c.1956+4C>T on transcript NM_031892.3 (MANE Select); 4 bases into the intron after coding-DNA position 1956, C replaced by T.
Molecular consequence: intron variant.
Genome position (GRCh38, 1-based): chrX:19,537,713, G>A on the plus strand (C>T on the coding strand, the complement: SH3KBP1 is on the minus strand). VCF-style: chrX-19537713-G-A. GRCh37 (hg19) VCF-style: chrX-19555831-G-A.
Other names: c.1827+4C>T (NM_001353890.2); c.1902+4C>T (NM_001353892.2); c.2031+4C>T (NM_001353891.2); c.1959+4C>T (NM_001410757.1); c.2088+4C>T (NM_001410756.1); c.1725+4C>T (NM_001353894.2); c.1854+4C>T (NM_001353893.2); c.1782+4C>T (NM_001353895.2); and 4 more.
Identifiers: ClinVar variation 4797498 (VCV004797498.1).